The following is an entry in ClinVar:

NM_001111125.3(IQSEC2):c.3866C>T (p.Ser1289Phe)

Gene: IQSEC2 (IQ motif and Sec7 domain ArfGEF 2; minus strand). Cytogenetic location: Xp11.22.
Variant type: single nucleotide variant.
Coding change: c.3866C>T on transcript NM_001111125.3 (MANE Select); coding-DNA position 3866, C replaced by T.
Protein change: p.Ser1289Phe; replaces serine 1289 with phenylalanine.
Molecular consequence: missense variant. On other transcripts: 3 prime UTR variant (2).
Genome position (GRCh38, 1-based): chrX:53,234,820, G>A on the plus strand (C>T on the coding strand, the complement: IQSEC2 is on the minus strand). VCF-style: chrX-53234820-G-A. GRCh37 (hg19) VCF-style: chrX-53264002-G-A.
Other names: c.*351C>T (NM_001410736.1, NM_015075.2); short protein forms S1289F.
Identifiers: ClinVar variation 3730847 (VCV003730847.1).
Genomic context (GRCh38, chrX:53,234,820, plus strand): 5'-GGCGGTGGAATGGAGCCCAGCTGGGGCAAGGGTGGGGGCTGCTGGGGAGGTGGGGGAAGA[G>A]AGGGCTGCTGGGGTGGGAGGTAGGGTGGCGGGGCAGGGCCCGGTCCTTGGCAATACTGGG-3'
Protein context (NP_001104595.1, residues 1279-1299): PPPYLPPQQP[Ser1289Phe]LPPPPQQPPP

ClinVar aggregate classification (germline): Uncertain significance (1 of 4 stars; one submission).

Submission:

GeneDx
Classification: Uncertain significance. Last evaluated: 2024-08-16. Review status: criteria provided, single submitter. Criteria: GeneDx Variant Classification Process June 2021. Collection method: clinical testing. Allele origin: germline. Affected: yes.
Comment: Not observed at significant frequency in large population cohorts (gnomAD); In silico analysis indicates that this missense variant does not alter protein structure/function; Has not been previously published as pathogenic or benign to our knowledge